The following is an entry in ClinVar:

NM_000934.4(SERPINF2):c.166-6C>T

Gene: SERPINF2 (serpin family F member 2; plus strand). Cytogenetic location: 17p13.3.
Variant type: single nucleotide variant.
Coding change: c.166-6C>T on transcript NM_000934.4 (MANE Select); 6 bases into the intron before coding-DNA position 166, C replaced by T.
Molecular consequence: intron variant.
Genome position (GRCh38, 1-based): chr17:1,745,702, C>T. VCF-style: chr17-1745702-C-T. GRCh37 (hg19) VCF-style: chr17-1648996-C-T.
Other names: c.175+297C>T (NM_001165921.2); c.166-6C>T (NM_001165920.1).
Identifiers: ClinVar variation 729421 (VCV000729421.6), dbSNP rs200263604, ClinGen allele CA8274114.
Genomic context (GRCh38, chr17:1,745,702, plus strand): 5'-AAGGCCTTCAACACAGAACCTGGAGCTGACCCCTTGACCTCCCTGACCCCTGATCTGTCC[C>T]TGCAGGAGCCTGGTGGCCAGACTGCCCTGAAGAGTCCCCCAGGAGTCTGCAGCAGAGACC-3'

ClinVar aggregate classification (germline): Likely benign. Review status: criteria provided, multiple submitters, no conflicts (2 of 4 stars). 3 submissions from 3 submitters: Likely benign (3). Last evaluated 2026-02-17.

Conditions:
SERPINF2-related disorder. Also called: SERPINF2-related condition.

Allele frequency attached by ClinVar (database versions not stated): ESP Exome Variant Server 0.00008; gnomAD 0.00012; gnomAD exomes 0.00013 and 0.00030; ExAC 0.00016; TOPMed 0.00017.
gnomAD v4.1: 223 of 1,612,958 alleles (0.014%); highest among the groups gnomAD compares: Admixed American, 0.01%; no homozygotes.

Submissions (3):

PreventionGenetics, part of Exact Sciences
Classification: Likely benign for SERPINF2-related condition. Last evaluated: 2026-02-17. Review status: criteria provided, single submitter. Criteria: ACMG Guidelines, 2015. Collection method: clinical testing. Allele origin: germline.
Comment: This variant is classified as likely benign based on ACMG/AMP sequence variant interpretation guidelines (Richards et al. 2015 PMID: 25741868, with internal and published modifications).

Blueprint Genetics
Classification: Likely benign. Last evaluated: 2024-11-27. Review status: criteria provided, single submitter. Criteria: ACMG Guidelines, 2015. Collection method: clinical testing. Allele origin: germline.

Labcorp Genetics (formerly Invitae), Labcorp
Classification: Likely benign. Last evaluated: 2019-12-31. Review status: criteria provided, single submitter. Criteria: Invitae Variant Classification Sherloc (09022015). Collection method: clinical testing. Allele origin: germline.